The following is an entry in ClinVar:

NM_145046.5(CALR3):c.377C>T (p.Ser126Leu)

Gene: CALR3 (calreticulin 3; minus strand). Cytogenetic location: 19p13.11.
Variant type: single nucleotide variant.
Coding change: c.377C>T on transcript NM_145046.5 (MANE Select); coding-DNA position 377, C replaced by T.
Protein change: p.Ser126Leu; replaces serine 126 with leucine.
Molecular consequence: missense variant.
Genome position (GRCh38, 1-based): chr19:16,490,387, G>A on the plus strand (C>T on the coding strand, the complement: CALR3 is on the minus strand). VCF-style: chr19-16490387-G-A. GRCh37 (hg19) VCF-style: chr19-16601198-G-A.
Other names: short protein forms S126L.
Identifiers: ClinVar variation 1000567 (VCV001000567.9), dbSNP rs752960232, ClinGen allele CA9278437.
Genomic context (GRCh38, chr19:16,490,387, plus strand): 5'-AAGTCACTAGAAGTGGTTGTGTTGCACCACGTAAACTCACCAAACATAATATAGTACTGC[G>A]ATTTTCCATTCAGGTTCTTCTGGTCAATGTCTGCAGGAAAGACCTTAATGTAGCCCCCTC-3'
Protein context (NP_659483.2, residues 116-136): DIDQKNLNGK[Ser126Leu]QYYIMFGPDI

ClinVar aggregate classification (germline): Uncertain significance (1 of 4 stars; one submission).

Conditions:
Hypertrophic cardiomyopathy 19. Also called: Familial hypertrophic cardiomyopathy 19. Identifiers: MedGen CN077603, MONDO:0013476.

Allele frequency attached by ClinVar (database versions not stated): ExAC 0.00001; gnomAD exomes 0.00001.
gnomAD v4.1: 6 of 1,614,112 alleles (0.00037%); highest among the groups gnomAD compares: Admixed American, 0.0033%; no homozygotes.

Submission:

Labcorp Genetics (formerly Invitae), Labcorp
Classification: Uncertain significance for Hypertrophic cardiomyopathy 19. Last evaluated: 2024-02-24. Review status: criteria provided, single submitter. Criteria: Invitae Variant Classification Sherloc (09022015). Collection method: clinical testing. Allele origin: germline.
Comment: This sequence change replaces serine, which is neutral and polar, with leucine, which is neutral and non-polar, at codon 126 of the CALR3 protein (p.Ser126Leu). This variant is present in population databases (rs752960232, gnomAD 0.006%). This variant has not been reported in the literature in individuals affected with CALR3-related conditions. ClinVar contains an entry for this variant (Variation ID: 1000567). Advanced modeling of protein sequence and biophysical properties (such as structural, functional, and spatial information, amino acid conservation, physicochemical variation, residue mobility, and thermodynamic stability) has been performed at Invitae for this missense variant, however the output from this modeling did not meet the statistical confidence thresholds required to predict the impact of this variant on CALR3 protein function. In summary, the available evidence is currently insufficient to determine the role of this variant in disease. Therefore, it has been classified as a Variant of Uncertain Significance.